The following is an entry in ClinVar:

ClinVar aggregate classification (germline): Conflicting classifications of pathogenicity. Review status: criteria provided, conflicting classifications (1 of 4 stars). 2 submissions from 2 submitters: Likely pathogenic (1); Uncertain significance (1). Last evaluated 2025-10-23.

Conditions:
Cardiovascular phenotype. Identifiers: MedGen CN230736.
Glycogen storage disease, type II (IOPD). Also called: CARDIOMEGALIA GLYCOGENICA DIFFUSA; GLYCOGENOSIS, GENERALIZED, CARDIAC FORM; GSD II; POMPE DISEASE, INFANTILE-ONSET; GLYCOGEN STORAGE DISEASE II, INFANTILE-ONSET; ACID ALPHA-GLUCOSIDASE DEFICIENCY, INFANTILE-ONSET. Identifiers: Orphanet 365, MedGen C0017921, MONDO:0009290, OMIM 232300.

Allele frequency attached by ClinVar (database versions not stated): TOPMed 0.00001.
gnomAD v4.1: 1 of 1,614,118 alleles (0.000062%); highest among the groups gnomAD compares: Non-Finnish European, 0.000085%; no homozygotes.

Submissions (2):

Labcorp Genetics (formerly Invitae), Labcorp
Classification: Likely pathogenic for Glycogen storage disease, type II. Last evaluated: 2025-10-23. Review status: criteria provided, single submitter. Criteria: Invitae Variant Classification Sherloc (09022015). Collection method: clinical testing. Allele origin: germline.
Comment: This sequence change replaces leucine, which is neutral and non-polar, with phenylalanine, which is neutral and non-polar, at codon 574 of the GAA protein (p.Leu574Phe). This variant is not present in population databases (gnomAD no frequency). This variant has not been reported in the literature in individuals affected with GAA-related conditions. ClinVar contains an entry for this variant (Variation ID: 1778754). Invitae Evidence Modeling of protein sequence and biophysical properties (such as structural, functional, and spatial information, amino acid conservation, physicochemical variation, residue mobility, and thermodynamic stability) indicates that this missense variant is expected to disrupt GAA protein function with a positive predictive value of 95%. This variant disrupts the p.Leu574 amino acid residue in GAA. Other variant(s) that disrupt this residue have been determined to be pathogenic (PMID: 31342611, 33202836, 36246652, 37670900). This suggests that this residue is clinically significant, and that variants that disrupt this residue are likely to be disease-causing. In summary, the currently available evidence indicates that the variant is pathogenic, but additional data are needed to prove that conclusively. Therefore, this variant has been classified as Likely Pathogenic.

Ambry Genetics
Classification: Uncertain significance for Cardiovascular phenotype. Last evaluated: 2022-04-04. Review status: criteria provided, single submitter. Criteria: Ambry Variant Classification Scheme 2023. Collection method: clinical testing. Allele origin: germline.
Comment: The p.L574F variant (also known as c.1720C>T), located in coding exon 11 of the GAA gene, results from a C to T substitution at nucleotide position 1720. The leucine at codon 574 is replaced by phenylalanine, an amino acid with highly similar properties. This amino acid position is conserved. In addition, this alteration is predicted to be deleterious by in silico analysis. Since supporting evidence is limited at this time, the clinical significance of this alteration remains unclear.

Literature cited by the submitters: PubMed 31342611 (cited by Labcorp Genetics (formerly Invitae), Labcorp); PubMed 33202836 (cited by Labcorp Genetics (formerly Invitae), Labcorp); PubMed 36246652 (cited by Labcorp Genetics (formerly Invitae), Labcorp); PubMed 37670900 (cited by Labcorp Genetics (formerly Invitae), Labcorp).

NM_000152.5(GAA):c.1720C>T (p.Leu574Phe)

Gene: GAA (alpha glucosidase; plus strand). Cytogenetic location: 17q25.3.
Variant type: single nucleotide variant.
Coding change: c.1720C>T on transcript NM_000152.5 (MANE Select); coding-DNA position 1720, C replaced by T.
Protein change: p.Leu574Phe; replaces leucine 574 with phenylalanine.
Molecular consequence: missense variant.
Genome position (GRCh38, 1-based): chr17:80,112,066, C>T. VCF-style: chr17-80112066-C-T. GRCh37 (hg19) VCF-style: chr17-78085865-C-T.
Other names: c.1720C>T, p.Leu574Phe (NM_001079803.3, NM_001079804.3, NM_001406741.1 and 1 more transcripts); short protein forms L574F.
Identifiers: ClinVar variation 1778754 (VCV001778754.3), dbSNP rs1334888803, ClinGen allele CA401369071.